The following is an entry in ClinVar:

ClinVar aggregate classification (germline): Uncertain significance (1 of 4 stars; one submission).

Conditions:
Hereditary cancer-predisposing syndrome. Also called: Tumor predisposition; Neoplastic Syndromes, Hereditary; Hereditary neoplastic syndrome; Hereditary Cancer Syndrome. Identifiers: Orphanet 140162, MedGen C0027672, MeSH D009386, MONDO:0015356.

Submission:

Ambry Genetics
Classification: Uncertain significance for Hereditary cancer-predisposing syndrome. Last evaluated: 2024-08-12. Review status: criteria provided, single submitter. Criteria: Ambry Variant Classification Scheme 2023. Collection method: clinical testing. Allele origin: germline.
Comment: The p.S464F variant (also known as c.1391C>T), located in coding exon 13 of the BAP1 gene, results from a C to T substitution at nucleotide position 1391. The serine at codon 464 is replaced by phenylalanine, an amino acid with highly dissimilar properties. This amino acid position is conserved. In addition, the in silico prediction for this alteration is inconclusive. Based on the available evidence, the clinical significance of this variant remains unclear.

NM_004656.4(BAP1):c.1391C>T (p.Ser464Phe)

Gene: BAP1 (BRCA1 associated deubiquitinase 1; minus strand). Cytogenetic location: 3p21.1.
Variant type: single nucleotide variant.
Coding change: c.1391C>T on transcript NM_004656.4 (MANE Select); coding-DNA position 1391, C replaced by T.
Protein change: p.Ser464Phe; replaces serine 464 with phenylalanine.
Molecular consequence: missense variant.
Genome position (GRCh38, 1-based): chr3:52,403,754, G>A on the plus strand (C>T on the coding strand, the complement: BAP1 is on the minus strand). VCF-style: chr3-52403754-G-A. GRCh37 (hg19) VCF-style: chr3-52437770-G-A.
Other names: c.1337C>T, p.Ser446Phe (NM_001410772.1); short protein forms S464F, S446F.
Identifiers: ClinVar variation 3477108 (VCV003477108.1).